The following is an entry in ClinVar:

ClinVar aggregate classification (germline): Likely benign. Review status: criteria provided, multiple submitters, no conflicts (2 of 4 stars). 3 submissions from 3 submitters: Likely benign (3). Last evaluated 2025-08-04.

Conditions:
PRR12-related disorder. Also called: PRR12-related condition.
Inborn genetic diseases. Identifiers: MedGen C0950123, MeSH D030342.

Allele frequency attached by ClinVar (database versions not stated): gnomAD 0.00008; ExAC 0.00010; 1000 Genomes Project 30x 0.00016.
gnomAD v4.1: 315 of 1,600,250 alleles (0.02%); highest among the groups gnomAD compares: East Asian, 0.47%; 7 homozygotes.

Submissions (3):

PreventionGenetics, part of Exact Sciences
Classification: Likely benign for PRR12-related condition. Last evaluated: 2025-08-04. Review status: criteria provided, single submitter. Criteria: ACMG Guidelines, 2015. Collection method: clinical testing. Allele origin: germline.
Comment: This variant is classified as likely benign based on ACMG/AMP sequence variant interpretation guidelines (Richards et al. 2015 PMID: 25741868, with internal and published modifications).

Ambry Genetics
Classification: Likely benign for Inborn genetic diseases. Last evaluated: 2023-06-01. Review status: criteria provided, single submitter. Criteria: Ambry Variant Classification Scheme 2023. Collection method: clinical testing. Allele origin: germline.

Breakthrough Genomics
Classification: Likely benign. Review status: criteria provided, single submitter. Criteria: ACMG Guidelines, 2015. Collection method: not provided. Allele origin: germline. Inheritance: Autosomal dominant inheritance. Affected: yes.

NM_020719.3(PRR12):c.2041G>A (p.Gly681Arg)

Gene: PRR12 (proline rich 12; plus strand). Cytogenetic location: 19q13.33.
Variant type: single nucleotide variant.
Coding change: c.2041G>A on transcript NM_020719.3 (MANE Select); coding-DNA position 2041, G replaced by A.
Protein change: p.Gly681Arg; replaces glycine 681 with arginine.
Molecular consequence: missense variant.
Genome position (GRCh38, 1-based): chr19:49,596,376, G>A. VCF-style: chr19-49596376-G-A. GRCh37 (hg19) VCF-style: chr19-50099633-G-A.
Other names: c.2041G>A (NM_020719.2); short protein forms G681R.
Identifiers: ClinVar variation 2569232 (VCV002569232.4), dbSNP rs750051529, ClinGen allele CA9578001.